The following is an entry in ClinVar:

NM_001145648.3(RASGRF1):c.33C>T (p.His11=)

Gene: RASGRF1 (Ras protein specific guanine nucleotide releasing factor 1; minus strand). Cytogenetic location: 15q25.1.
Variant type: single nucleotide variant.
Coding change: c.33C>T on transcript NM_001145648.3 (MANE Select); coding-DNA position 33, C replaced by T.
Protein change: p.His11=; no amino-acid change (histidine 11 retained).
Molecular consequence: synonymous variant.
Genome position (GRCh38, 1-based): chr15:79,090,466, G>A on the plus strand (C>T on the coding strand, the complement: RASGRF1 is on the minus strand). VCF-style: chr15-79090466-G-A. GRCh37 (hg19) VCF-style: chr15-79382808-G-A.
Other names: c.33C>T, p.His11= (NM_002891.6).
Identifiers: ClinVar variation 2645625 (VCV002645625.24), dbSNP rs764289567, ClinGen allele CA7689203.

ClinVar aggregate classification (germline): Likely benign (1 of 4 stars; one submission).

Allele frequency attached by ClinVar (database versions not stated): gnomAD 0.00001; gnomAD exomes 0.00001; ExAC 0.00002; TOPMed 0.00002.
gnomAD v4.1: 16 of 1,612,774 alleles (0.00099%); highest among the groups gnomAD compares: Admixed American, 0.0017%; no homozygotes.

Submission:

CeGaT Center for Human Genetics Tuebingen
Classification: Likely benign. Last evaluated: 2022-12-01. Review status: criteria provided, single submitter. Criteria: CeGaT Center For Human Genetics Tuebingen Variant Classification Criteria Version 2. Collection method: clinical testing. Allele origin: germline. Affected: yes. Observed: 1 variant allele.
Comment: RASGRF1: BP4, BP7